The following is an entry in ClinVar:

NM_001854.4(COL11A1):c.3400C>A (p.Pro1134Thr)

Gene: COL11A1 (collagen type XI alpha 1 chain; minus strand). Cytogenetic location: 1p21.1.
Variant type: single nucleotide variant.
Coding change: c.3400C>A on transcript NM_001854.4 (MANE Select); coding-DNA position 3400, C replaced by A.
Protein change: p.Pro1134Thr; replaces proline 1134 with threonine.
Molecular consequence: missense variant. On other transcripts: non-coding transcript variant (1).
Genome position (GRCh38, 1-based): chr1:102,939,073, G>T on the plus strand (C>A on the coding strand, the complement: COL11A1 is on the minus strand). VCF-style: chr1-102939073-G-T. GRCh37 (hg19) VCF-style: chr1-103404629-G-T.
Other names: c.3052C>A, p.Pro1018Thr (NM_001168249.1, NM_080630.4); c.3283C>A, p.Pro1095Thr (NM_001190709.2); c.3436C>A, p.Pro1146Thr (NM_080629.3); short protein forms P1018T, P1134T, P1146T, P1095T.
Identifiers: ClinVar variation 2848966 (VCV002848966.3), dbSNP rs752004106, ClinGen allele CA974028.

ClinVar aggregate classification (germline): Uncertain significance (1 of 4 stars; one submission).

Allele frequency attached by ClinVar (database versions not stated): gnomAD exomes below 0.00001; ExAC 0.00002.
gnomAD v4.1: 3 of 1,613,506 alleles (0.00019%); highest among the groups gnomAD compares: Non-Finnish European, 0.00017%; no homozygotes.

Submission:

Labcorp Genetics (formerly Invitae), Labcorp
Classification: Uncertain significance. Last evaluated: 2023-07-29. Review status: criteria provided, single submitter. Criteria: Invitae Variant Classification Sherloc (09022015). Collection method: clinical testing. Allele origin: germline.
Comment: This variant has not been reported in the literature in individuals affected with COL11A1-related conditions. In summary, the available evidence is currently insufficient to determine the role of this variant in disease. Therefore, it has been classified as a Variant of Uncertain Significance. Advanced modeling of protein sequence and biophysical properties (such as structural, functional, and spatial information, amino acid conservation, physicochemical variation, residue mobility, and thermodynamic stability) performed at Invitae indicates that this missense variant is not expected to disrupt COL11A1 protein function. This variant is present in population databases (rs752004106, gnomAD 0.002%). This sequence change replaces proline, which is neutral and non-polar, with threonine, which is neutral and polar, at codon 1134 of the COL11A1 protein (p.Pro1134Thr).